The following is an entry in ClinVar:

NM_000276.4(OCRL):c.50G>C (p.Gly17Ala)

Gene: OCRL (OCRL inositol polyphosphate-5-phosphatase; plus strand). Cytogenetic location: Xq26.1.
Variant type: single nucleotide variant.
Coding change: c.50G>C on transcript NM_000276.4 (MANE Select); coding-DNA position 50, G replaced by C.
Protein change: p.Gly17Ala; replaces glycine 17 with alanine.
Molecular consequence: missense variant.
Genome position (GRCh38, 1-based): chrX:129,540,754, G>C. VCF-style: chrX-129540754-G-C. GRCh37 (hg19) VCF-style: chrX-128674731-G-C.
Other names: c.53G>C, p.Gly18Ala (NM_001318784.2); c.50G>C, p.Gly17Ala (NM_001587.4); short protein forms G17A, G18A.
Identifiers: ClinVar variation 436102 (VCV000436102.35), dbSNP rs768913997, ClinGen allele CA10511918.

ClinVar aggregate classification (germline): Conflicting classifications of pathogenicity. Review status: criteria provided, conflicting classifications (1 of 4 stars). 5 submissions from 5 submitters: Uncertain significance (1); Likely benign (3). 1 of the submissions does not count toward it. Last evaluated 2025-10-01.

Conditions:
Nephrolithiasis/nephrocalcinosis. Identifiers: MedGen CN580796.
Lowe syndrome (OCRL). Also called: LOWE OCULOCEREBRORENAL SYNDROME; Oculocerebrorenal Syndrome; PHOSPHATIDYLINOSITOL 4,5-BISPHOSPHATE 5-PHOSPHATASE DEFICIENCY. Identifiers: Orphanet 534, MedGen C0028860, MONDO:0010645, OMIM 309000.
OCRL-related disorder. Also called: OCRL-related condition.

Allele frequency attached by ClinVar (database versions not stated): gnomAD exomes 0.00001 and 0.00003; ExAC 0.00003; gnomAD 0.00005; TOPMed 0.00006.
gnomAD v4.1: 18 of 1,207,170 alleles (0.0015%); highest among the groups gnomAD compares: Admixed American, 0.0087%; no homozygotes.

Submissions (5):

Labcorp Genetics (formerly Invitae), Labcorp
Classification: Likely benign for Lowe syndrome. Last evaluated: 2025-10-01. Review status: criteria provided, single submitter. Criteria: Invitae Variant Classification Sherloc (09022015). Collection method: clinical testing. Allele origin: germline.

CeGaT Center for Human Genetics Tuebingen
Classification: Likely benign. Last evaluated: 2024-03-01. Review status: criteria provided, single submitter. Criteria: CeGaT Center For Human Genetics Tuebingen Variant Classification Criteria Version 2. Collection method: clinical testing. Allele origin: germline. Affected: yes. Observed: 1 variant allele.
Comment: OCRL: BS2

Ambry Genetics
Classification: Likely benign for Nephrolithiasis/nephrocalcinosis. Last evaluated: 2022-02-17. Review status: criteria provided, single submitter. Criteria: Ambry Variant Classification Scheme 2023. Collection method: clinical testing. Allele origin: germline.

Genetic Services Laboratory, University of Chicago
Classification: Uncertain significance. Last evaluated: 2016-08-22. Review status: criteria provided, single submitter. Criteria: ACMG Guidelines, 2015. Collection method: clinical testing. Allele origin: germline. Affected: no.

PreventionGenetics, part of Exact Sciences
Classification: Uncertain significance for OCRL-related condition. Last evaluated: 2024-09-24. Review status: no assertion criteria provided. Collection method: clinical testing. Allele origin: germline. Not counted in ClinVar's aggregate classification.
Comment: The OCRL c.50G>C variant is predicted to result in the amino acid substitution p.Gly17Ala. To our knowledge, this variant has not been reported in the literature. This variant is reported in 0.0061% of alleles in individuals of European (non-Finnish) descent in gnomAD, including 3 hemizygotes. Although we suspect that this variant may be benign, at this time, the clinical significance of this variant is uncertain due to the absence of conclusive functional and genetic evidence.